The following is an entry in ClinVar:

NM_001042492.3(NF1):c.4928T>C (p.Val1643Ala)

Gene: NF1 (neurofibromin 1; plus strand). Cytogenetic location: 17q11.2.
Variant type: single nucleotide variant.
Coding change: c.4928T>C on transcript NM_001042492.3 (MANE Select); coding-DNA position 4928, T replaced by C.
Protein change: p.Val1643Ala; replaces valine 1643 with alanine.
Molecular consequence: missense variant.
Genome position (GRCh38, 1-based): chr17:31,325,912, T>C. VCF-style: chr17-31325912-T-C. GRCh37 (hg19) VCF-style: chr17-29652930-T-C.
Other names: c.4865T>C, p.Val1622Ala (NM_000267.4); short protein forms V1643A, V1622A.
Identifiers: ClinVar variation 1743661 (VCV001743661.4), dbSNP rs2151537789, ClinGen allele CA399007129.

ClinVar aggregate classification (germline): Uncertain significance. Review status: criteria provided, multiple submitters, no conflicts (2 of 4 stars). 2 submissions from 2 submitters: Uncertain significance (2). Last evaluated 2025-06-15.

Conditions:
Cardiovascular phenotype. Identifiers: MedGen CN230736.
Hereditary cancer-predisposing syndrome. Also called: Neoplastic Syndromes, Hereditary; Tumor predisposition; Hereditary Cancer Syndrome; Hereditary neoplastic syndrome. Identifiers: Orphanet 140162, MedGen C0027672, MeSH D009386, MONDO:0015356.
Neurofibromatosis, type 1 (NF1). Also called: VON RECKLINGHAUSEN DISEASE; NEUROFIBROMATOSIS, TYPE I, SOMATIC; Neurofibromatosis, type I; Peripheral type neurofibromatosis. Identifiers: Orphanet 636, MedGen C0027831, MONDO:0018975, OMIM 162200. Disease mechanism: loss of function.

Allele frequency attached by ClinVar (database versions not stated): gnomAD exomes below 0.00001.
gnomAD v4.1: 1 of 1,614,208 alleles (0.000062%); highest among the groups gnomAD compares: African/African-American, 0.0013%; no homozygotes.

Submissions (2):

Labcorp Genetics (formerly Invitae), Labcorp
Classification: Uncertain significance for Neurofibromatosis, type 1. Last evaluated: 2025-06-15. Review status: criteria provided, single submitter. Criteria: Invitae Variant Classification Sherloc (09022015). Collection method: clinical testing. Allele origin: germline.
Comment: This sequence change replaces valine, which is neutral and non-polar, with alanine, which is neutral and non-polar, at codon 1622 of the NF1 protein (p.Val1622Ala). This variant is not present in population databases (gnomAD no frequency). This variant has not been reported in the literature in individuals affected with NF1-related conditions. ClinVar contains an entry for this variant (Variation ID: 1743661). Invitae Evidence Modeling of protein sequence and biophysical properties (such as structural, functional, and spatial information, amino acid conservation, physicochemical variation, residue mobility, and thermodynamic stability) indicates that this missense variant is not expected to disrupt NF1 protein function with a negative predictive value of 95%. In summary, the available evidence is currently insufficient to determine the role of this variant in disease. Therefore, it has been classified as a Variant of Uncertain Significance.

Ambry Genetics
Classification: Uncertain significance for Cardiovascular phenotype; Hereditary cancer-predisposing syndrome. Last evaluated: 2022-03-11. Review status: criteria provided, single submitter. Criteria: Ambry Variant Classification Scheme 2023. Collection method: clinical testing. Allele origin: germline.
Comment: The p.V1622A variant (also known as c.4865T>C), located in coding exon 36 of the NF1 gene, results from a T to C substitution at nucleotide position 4865. The valine at codon 1622 is replaced by alanine, an amino acid with similar properties. This amino acid position is conserved. In addition, this alteration is predicted to be tolerated by in silico analysis. Since supporting evidence is limited at this time, the clinical significance of this alteration remains unclear.